The following is an entry in ClinVar:

ClinVar aggregate classification (germline): Pathogenic. Review status: criteria provided, multiple submitters, no conflicts (2 of 4 stars). 10 submissions from 10 submitters: Pathogenic (8). 2 of the submissions do not count toward it. Last evaluated 2026-03-02.

Conditions:
Citrullinemia type I (CTNL1). Also called: argininosuccinate synthetase deficiency; ASS DEFICIENCY. Identifiers: Orphanet 247525, MedGen C4721769, MONDO:0008988, OMIM 215700.
ASS1-related disorder. Also called: ASS1-related condition.
Citrullinemia. Identifiers: Orphanet 187, MedGen C0175683, MONDO:0015991.

Allele frequency attached by ClinVar (database versions not stated): gnomAD 0.00001; gnomAD exomes 0.00001; ExAC 0.00002; TOPMed 0.00002.
gnomAD v4.1: 43 of 1,612,654 alleles (0.0027%); highest among the groups gnomAD compares: Non-Finnish European, 0.0032%; no homozygotes.

Submissions (10):

GeneDx
Classification: Pathogenic. Last evaluated: 2026-03-02. Review status: criteria provided, single submitter. Criteria: GeneDx Variant Classification Process June 2021. Collection method: clinical testing. Allele origin: germline.
Comment: Published functional studies demonstrate that p.(G117S) results in significantly decreased enzymatic activity (PMID: 27287393); Not observed at significant frequency in large population cohorts (gnomAD); In silico analysis supports that this missense variant has a deleterious effect on protein structure/function; This variant is associated with the following publications: (PMID: 37443404, 26206375, 23094117, 21483992, 22106832, 16124451, 31469252, 37906139, 36680390, 27287393, 12815590)

Natera, Inc.
Classification: Pathogenic for Citrullinemia type I. Last evaluated: 2025-10-06. Review status: criteria provided, single submitter. Criteria: Natera Variant Classification Schema (03/2026). Collection method: clinical testing. Allele origin: germline.
Comment: The c.349G>A variant in ASS1 is a missense variant predicted to cause substitution of glycine to serine at amino acid 117. This variant is rare in the general population with a frequency below the threshold expected for the associated phenotype(s). This variant has been observed in one or more individuals affected with the associated recessive disease, as either homozygous or compound heterozygous with a second variant (PMID: 12815590, 37443404, 37906139). Functional studies show that this variant may disrupt protein function (PMID: 31469252). A different variant at the same position has been determined to be Pathogenic or Likely Pathogenic. Computational prediction algorithms indicate this variant is likely to affect gene or protein function. Given the available evidence, this variant is classified as Pathogenic.

Fulgent Genetics
Classification: Pathogenic for Citrullinemia type I. Last evaluated: 2024-01-24. Review status: criteria provided, single submitter. Criteria: ACMG Guidelines, 2015. Collection method: clinical testing. Allele origin: germline.

Labcorp Genetics (formerly Invitae), Labcorp
Classification: Pathogenic for Citrullinemia. Last evaluated: 2023-11-02. Review status: criteria provided, single submitter. Criteria: Invitae Variant Classification Sherloc (09022015). Collection method: clinical testing. Allele origin: germline.
Comment: This sequence change replaces glycine, which is neutral and non-polar, with serine, which is neutral and polar, at codon 117 of the ASS1 protein (p.Gly117Ser). This variant is present in population databases (rs770944877, gnomAD 0.003%). This missense change has been observed in individual(s) with citrullinemia type I (PMID: 12815590, 16124451, 27287393). ClinVar contains an entry for this variant (Variation ID: 556029). Advanced modeling of protein sequence and biophysical properties (such as structural, functional, and spatial information, amino acid conservation, physicochemical variation, residue mobility, and thermodynamic stability) performed at Invitae indicates that this missense variant is expected to disrupt ASS1 protein function with a positive predictive value of 80%. Experimental studies have shown that this missense change affects ASS1 function (PMID: 27287393). For these reasons, this variant has been classified as Pathogenic.

Women's Health and Genetics/Laboratory Corporation of America, LabCorp
Classification: Pathogenic for Citrullinemia. Last evaluated: 2023-07-27. Review status: criteria provided, single submitter. Criteria: LabCorp Variant Classification Summary - May 2015. Collection method: clinical testing. Allele origin: germline.
Comment: Variant summary: ASS1 c.349G>A (p.Gly117Ser) results in a non-conservative amino acid change in the encoded protein sequence. Five of five in-silico tools predict a damaging effect of the variant on protein function. The variant allele was found at a frequency of 1.2e-05 in 247280 control chromosomes. c.349G>A has been reported in the literature in multiple individuals affected with Citrullinemia Type I, including in homozygotes with neonatal/infantile onset (e.g. Diez-Fernandez_2016). These data indicate that the variant is very likely to be associated with disease. At least one publication reports experimental evidence evaluating an impact on protein function. The most pronounced variant effect results in a complete loss of normal argininosuccinate synthetase enzyme activity (e.g. Diez-Fernandez_2016). The following publication has been ascertained in the context of this evaluation (PMID: 27287393). Five submitters have cited clinical-significance assessments for this variant to ClinVar after 2014. All submitters classified the variant as pathogenic (n=4) or likely pathogenic (n=1). Based on the evidence outlined above, the variant was classified as pathogenic.

Revvity Omics, Revvity
Classification: Pathogenic for Citrullinemia type I. Last evaluated: 2021-03-02. Review status: criteria provided, single submitter. Criteria: ACMG Guidelines, 2015. Collection method: clinical testing. Allele origin: germline.

Blueprint Genetics
Classification: Pathogenic for ASS1-related disorders. Last evaluated: 2020-03-13. Review status: criteria provided, single submitter. Criteria: ACMG Guidelines, 2015. Collection method: clinical testing. Allele origin: germline. Affected: yes. Observed: 2 variant alleles.

Genetics and Molecular Pathology, SA Pathology
Classification: Pathogenic for Citrullinemia type I. Last evaluated: 2020-02-13. Review status: criteria provided, single submitter. Criteria: ACMG Guidelines, 2015. Collection method: clinical testing. Allele origin: germline. Inheritance: Autosomal recessive inheritance. Affected: yes.

PreventionGenetics, part of Exact Sciences
Classification: Pathogenic for ASS1-related condition. Last evaluated: 2024-07-10. Review status: no assertion criteria provided. Collection method: clinical testing. Allele origin: germline. Not counted in ClinVar's aggregate classification.
Comment: The ASS1 c.349G>A variant is predicted to result in the amino acid substitution p.Gly117Ser. This variant has been reported in the homozygous state in several patients with a biochemical diagnosis of citrullinemia (Gao et al. 2003. PubMed ID: 12815590; Wasant et al. 2005. PubMed ID: 16124451; Diez-Fernandez et al. 2016. PubMed ID: 27287393). The p.Gly117Ser change was reported to decrease ASS1 enzyme activity to <2% of wild-type (Diez-Fernandez et al. 2016. PubMed ID: 27287393). This variant is reported in 0.0027% of alleles in individuals of European (Non-Finnish) descent in gnomAD. This variant is interpreted as pathogenic.

Counsyl
Classification: Likely pathogenic for Citrullinemia type I. Last evaluated: 2018-01-09. Review status: no assertion criteria provided. Collection method: clinical testing. Allele origin: unknown. Not counted in ClinVar's aggregate classification.

Literature cited by the submitters: PubMed 12815590 (cited by 3 submitters); PubMed 37443404 (cited by Natera, Inc.); PubMed 37906139 (cited by Natera, Inc.); PubMed 31469252 (cited by Natera, Inc.); PubMed 16124451 (cited by Labcorp Genetics (formerly Invitae), Labcorp); PubMed 27287393 (cited by 3 submitters); PubMed 26206375 (cited by Counsyl); PubMed 23094117 (cited by Counsyl); PubMed 21483992 (cited by Counsyl); PubMed 22106832 (cited by Counsyl).

NM_054012.4(ASS1):c.349G>A (p.Gly117Ser)

Gene: ASS1 (argininosuccinate synthase 1; plus strand). Cytogenetic location: 9q34.11.
Variant type: single nucleotide variant.
Coding change: c.349G>A on transcript NM_054012.4 (MANE Select); coding-DNA position 349, G replaced by A.
Protein change: p.Gly117Ser; replaces glycine 117 with serine.
Molecular consequence: missense variant.
Genome position (GRCh38, 1-based): chr9:130,458,575, G>A. VCF-style: chr9-130458575-G-A. GRCh37 (hg19) VCF-style: chr9-133333962-G-A.
Other names: c.349G>A, p.Gly117Ser (NM_000050.4); short protein forms G117S.
Identifiers: ClinVar variation 556029 (VCV000556029.25), dbSNP rs770944877, ClinGen allele CA5283233.
Genomic context (GRCh38, chr9:130,458,575, plus strand): 5'-TGCATCGCCCGCAAACAAGTGGAAATCGCCCAGCGGGAGGGGGCCAAGTATGTGTCCCAC[G>A]GCGCCACAGGAAAGGTGAGGCACCTGGGAAGGGCCGGGCAGAGGGAGATGGAGGCGGAGG-3'
Protein context (NP_446464.1, residues 107-127): QREGAKYVSH[Gly117Ser]ATGKGNDQVR